The following is an entry in ClinVar:

ClinVar aggregate classification (germline): Pathogenic (1 of 4 stars; one submission).

Conditions:
Supravalvar aortic stenosis (SVAS). Also called: Supravalvar aortic stenosis, Eisenberg type. Identifiers: Orphanet 3193, MedGen C0003499, MONDO:0008504, OMIM 185500, HP:0004381.

Submission:

Labcorp Genetics (formerly Invitae), Labcorp
Classification: Pathogenic for Supravalvar aortic stenosis. Last evaluated: 2017-03-19. Review status: criteria provided, single submitter. Criteria: Invitae Variant Classification Sherloc (09022015). Collection method: clinical testing. Allele origin: germline.
Comment: While this particular variant has not been reported in the literature, loss-of-function variants in ELN are known to be pathogenic (PMID: 9215670, 11175284). For these reasons, this variant has been classified as Pathogenic. This sequence change deletes 1 nucleotide from exon 8 of the ELN mRNA (c.383delT), causing a frameshift at codon 128. This creates a premature translational stop signal (p.Val128Glyfs*9) and is expected to result in an absent or disrupted protein product.

Literature cited by the submitters: PubMed 9215670; PubMed 11175284.

NM_000501.4(ELN):c.383del (p.Val128fs)

Gene: ELN (elastin; plus strand). Cytogenetic location: 7q11.23.
Variant type: Deletion.
Coding change: c.383del on transcript NM_000501.4 (MANE Select); coding-DNA position 383, one base deleted (T; older notation c.383delT).
Protein change: p.Val128fs; shifts the reading frame from valine 128.
Molecular consequence: frameshift variant.
Genome position (GRCh38, 1-based): chr7:74,043,124, T deleted. VCF-style (leftmost placement, unchanged base first): chr7-74043123-GT-G. GRCh37 (hg19) VCF-style: chr7-73457453-GT-G.
Other names: c.383delT (NM_001278939.1); c.353del, p.Val118fs (NM_001081752.3, NM_001278917.2, NM_001278918.2); c.398del, p.Val133fs (NM_001081753.3, NM_001081754.3); c.383del, p.Val128fs (NM_001081755.3, NM_001278912.2, NM_001278915.2 and 2 more transcripts); c.347del, p.Val116fs (NM_001278913.2); c.368del, p.Val123fs (NM_001278914.2); short protein forms V133fs, V123fs, V116fs, V118fs, V128fs.
Identifiers: ClinVar variation 453329 (VCV000453329.6), dbSNP rs1554669800, ClinGen allele CA658657675.
Genomic context (GRCh38, chr7:74,043,123, plus strand): 5'-GTCAAAGTTGCAGGCCTGGGTGGAGCCAACTCTGATGCAGCCCCTTCTGTGCCAGGTGCG[GT>G]GGTTCCTCAGCCTGGAGCCGGAGTGAAGCCTGGGAAAGTGCCGGGTCAGTGCGGAATCCC-3'